The following is an entry in ClinVar:

NM_001005242.3(PKP2):c.1406A>T (p.Asp469Val)

Gene: PKP2 (plakophilin 2; minus strand). Cytogenetic location: 12p11.21.
Variant type: single nucleotide variant.
Coding change: c.1406A>T on transcript NM_001005242.3 (MANE Select); coding-DNA position 1406, A replaced by T.
Protein change: p.Asp469Val; replaces aspartic acid 469 with valine.
Molecular consequence: missense variant.
Genome position (GRCh38, 1-based): chr12:32,841,178, T>A on the plus strand (A>T on the coding strand, the complement: PKP2 is on the minus strand). VCF-style: chr12-32841178-T-A. GRCh37 (hg19) VCF-style: chr12-32994112-T-A.
Other names: c.1538A>T, p.Asp513Val (NM_004572.4); short protein forms D469V, D513V.
Identifiers: ClinVar variation 1171522 (VCV001171522.3), dbSNP rs2137830944, ClinGen allele CA384368069.

ClinVar aggregate classification (germline): Uncertain significance (1 of 4 stars; one submission).

Conditions:
Cardiomyopathy (CMYO). Also called: Cardiomyopathies. Identifiers: Orphanet 167848, MedGen C0878544, MONDO:0004994, HP:0001638. Inheritance: Various modes of inheritance.

Submission:

Color Diagnostics, LLC DBA Color Health
Classification: Uncertain significance for Cardiomyopathy. Last evaluated: 2024-03-06. Review status: criteria provided, single submitter. Criteria: ACMG Guidelines, 2015. Collection method: clinical testing. Allele origin: germline.
Comment: This missense variant replaces aspartic acid with valine at codon 513 of the PKP2 protein. Computational prediction suggests that this variant may not impact protein structure and function (internally defined REVEL score threshold <= 0.5, PMID: 27666373). To our knowledge, functional studies have not been reported for this variant. This variant has not been reported in individuals affected with cardiovascular disorders in the literature. This variant has not been identified in the general population by the Genome Aggregation Database (gnomAD). The available evidence is insufficient to determine the role of this variant in disease conclusively. Therefore, this variant is classified as a Variant of Uncertain Significance.